The following is an entry in ClinVar:

ClinVar aggregate classification (germline): Pathogenic/Likely pathogenic. Review status: criteria provided, multiple submitters, no conflicts (2 of 4 stars). 8 submissions from 8 submitters: Pathogenic (4); Likely pathogenic (3). 1 of the submissions does not count toward it. Last evaluated 2025-07-27.

Conditions:
Lysinuric protein intolerance (LPI). Identifiers: Orphanet 470, MedGen C0268647, MONDO:0009109, OMIM 222700.

Allele frequency attached by ClinVar (database versions not stated): ExAC 0.00002; gnomAD exomes 0.00002; gnomAD 0.00003.
gnomAD v4.1: 25 of 1,614,040 alleles (0.0015%); highest among the groups gnomAD compares: African/African-American, 0.0027%; no homozygotes.

Submissions (8):

Labcorp Genetics (formerly Invitae), Labcorp
Classification: Pathogenic for Lysinuric protein intolerance. Last evaluated: 2025-07-27. Review status: criteria provided, single submitter. Criteria: Invitae Variant Classification Sherloc (09022015). Collection method: clinical testing. Allele origin: germline.
Comment: This sequence change creates a premature translational stop signal (p.Arg468*) in the SLC7A7 gene. While this is not anticipated to result in nonsense mediated decay, it is expected to disrupt the last 44 amino acid(s) of the SLC7A7 protein. This variant is present in population databases (rs386833807, gnomAD 0.005%). This premature translational stop signal has been observed in individual(s) with lysinuric protein intolerance (PMID: 18716612). It has also been observed to segregate with disease in related individuals. ClinVar contains an entry for this variant (Variation ID: 56359). This variant disrupts a region of the SLC7A7 protein in which other variant(s) (p.Arg473*) have been determined to be pathogenic (PMID: 10655553, 28028301; internal data). This suggests that this is a clinically significant region of the protein, and that variants that disrupt it are likely to be disease-causing. For these reasons, this variant has been classified as Pathogenic.

Natera, Inc.
Classification: Likely pathogenic for Lysinuric protein intolerance. Last evaluated: 2024-04-12. Review status: criteria provided, single submitter. Criteria: Natera Variant Classification Schema (03/2026). Collection method: clinical testing. Allele origin: germline.
Comment: The c.1402C>T variant in SLC7A7 is a nonsense variant predicted to introduce a stop codon at amino acid 468. This variant is expected to result in nonsense mediated decay, truncation, or a dysfunctional protein product. This variant is rare in the general population with a frequency below the threshold expected for the associated phenotype(s). Given the available evidence, this variant is classified as Likely Pathogenic.

Fulgent Genetics
Classification: Likely pathogenic for Lysinuric protein intolerance. Last evaluated: 2024-02-20. Review status: criteria provided, single submitter. Criteria: ACMG Guidelines, 2015. Collection method: clinical testing. Allele origin: germline.

GeneDx
Classification: Likely pathogenic. Last evaluated: 2023-05-19. Review status: criteria provided, single submitter. Criteria: GeneDx Variant Classification Process June 2021. Collection method: clinical testing. Allele origin: germline. Affected: yes.
Comment: Not observed at significant frequency in large population cohorts (gnomAD); Nonsense variant predicted to result in protein truncation, as the last 44 amino acids are lost, and other loss-of-function variants have been reported downstream in HGMD; This variant is associated with the following publications: (PMID: 25525159, 18716612, 30665703, 31980526, 29058386, 10655553, 28028301, 37107561)

Genome-Nilou Lab
Classification: Pathogenic for Lysinuric protein intolerance. Last evaluated: 2021-11-07. Review status: criteria provided, single submitter. Criteria: ACMG Guidelines, 2015. Collection method: clinical testing. Allele origin: germline. Affected: no.

Baylor Genetics
Classification: Pathogenic for Lysinuric protein intolerance. Review status: criteria provided, single submitter. Criteria: ACMG Guidelines, 2015. Collection method: clinical testing. Allele origin: germline.

Neuberg Centre For Genomic Medicine, NCGM
Classification: Pathogenic for Lysinuric protein intolerance. Review status: criteria provided, single submitter. Criteria: ACMG Guidelines, 2015. Collection method: clinical testing. Allele origin: germline. Inheritance: Autosomal recessive inheritance. Affected: yes.
Comment: The stop gained c.1402C>Tp.Arg468Ter variant in SLC7A7 gene has been reported previously in compound heterozygous state in individuals affected with lysinuric protein intolerance Font-Llitjós M, et al., 2009. It has also been observed to segregate with disease in related individuals. The c.1402C>T variant has been reported with allele frequency of 0.002% in gnomAD Exomes and is novel not in any individuals in 1000 Genomes. This variant has been reported to the ClinVar database as Likely Pathogenic / Pathogenic multiple submissions. The nucleotide change c.1402C>T in SLC7A7 is predicted as conserved by GERP++ and PhyloP across 100 vertebrates. This sequence change creates a premature translational stop signal p.Arg468Ter in the SLC7A7 gene. This variant is predicted to cause loss of normal protein function through protein truncation. Loss of function variants have been previously reported to be disease causing. Other variants in the same region p.Arg473* have been previously reported to be pathogenic Habib A,et al., 2016. For these reasons, this variant has been classified as Pathogenic.

Juha Muilu Group; Institute for Molecular Medicine Finland (FIMM)
Classification: Likely pathogenic for Lysinuric protein intolerance. Review status: no assertion criteria provided. Collection method: not provided. Allele origin: unknown. Not counted in ClinVar's aggregate classification.
Comment: FinDis database variant: This variant was not found or characterized by our laboratory, data were collected from public sources: see reference
ClinVar note: Converted during submission from probable-pathogenic to Likely pathogenic.

Literature cited by the submitters: PubMed 18716612 (cited by Labcorp Genetics (formerly Invitae), Labcorp); PubMed 10655553 (cited by Labcorp Genetics (formerly Invitae), Labcorp); PubMed 28028301 (cited by Labcorp Genetics (formerly Invitae), Labcorp).

NM_003982.4(SLC7A7):c.1402C>T (p.Arg468Ter)

Gene: SLC7A7 (solute carrier family 7 member 7; minus strand). Cytogenetic location: 14q11.2.
Variant type: single nucleotide variant.
Coding change: c.1402C>T on transcript NM_003982.4 (MANE Select); coding-DNA position 1402, C replaced by T.
Protein change: p.Arg468Ter; replaces arginine 468 with a stop codon.
Molecular consequence: nonsense.
Genome position (GRCh38, 1-based): chr14:22,773,960, G>A on the plus strand (C>T on the coding strand, the complement: SLC7A7 is on the minus strand). VCF-style: chr14-22773960-G-A. GRCh37 (hg19) VCF-style: chr14-23243169-G-A.
Other names: c.1402C>T, p.Arg468Ter (NM_001126105.3, NM_001126106.4); short protein forms R468*.
Identifiers: ClinVar variation 56359 (VCV000056359.21), dbSNP rs386833807, ClinGen allele CA263790.